The following is an entry in ClinVar:

NM_014844.5(TECPR2):c.4060G>A (p.Gly1354Ser)

Gene: TECPR2 (tectonin beta-propeller repeat containing 2; plus strand). Cytogenetic location: 14q32.31.
Variant type: single nucleotide variant.
Coding change: c.4060G>A on transcript NM_014844.5 (MANE Select); coding-DNA position 4060, G replaced by A.
Protein change: p.Gly1354Ser; replaces glycine 1354 with serine.
Molecular consequence: missense variant.
Genome position (GRCh38, 1-based): chr14:102,497,698, G>A. VCF-style: chr14-102497698-G-A. GRCh37 (hg19) VCF-style: chr14-102964035-G-A.
Other names: short protein forms G1354S.
Identifiers: ClinVar variation 991465 (VCV000991465.3), dbSNP rs755603975, ClinGen allele CA7358449.

ClinVar aggregate classification (germline): Uncertain significance. Review status: criteria provided, single submitter (1 of 4 stars). 2 submissions from 2 submitters: Uncertain significance (1). 1 of the submissions does not count toward it. Last evaluated 2022-06-13.

Conditions:
Hereditary spastic paraplegia 49 (HSAN9). Also called: Spastic paraplegia 49, autosomal recessive; NEUROPATHY, HEREDITARY SENSORY AND AUTONOMIC, TYPE IX, WITH DEVELOPMENTAL DELAY; TECPR2-Related Hereditary Sensory and Autonomic Neuropathy with Intellectual Disability. Identifiers: Orphanet 320385, MedGen C5190860, MONDO:0014016, OMIM 615031.

Allele frequency attached by ClinVar (database versions not stated): gnomAD 0.00002 and 0.00003; TOPMed 0.00004; ExAC 0.00005; gnomAD exomes 0.00001.
gnomAD v4.1: 18 of 1,608,296 alleles (0.0011%); highest among the groups gnomAD compares: African/African-American, 0.008%; no homozygotes.

Submissions (2):

Labcorp Genetics (formerly Invitae), Labcorp
Classification: Uncertain significance for Hereditary spastic paraplegia 49. Last evaluated: 2022-06-13. Review status: criteria provided, single submitter. Criteria: Invitae Variant Classification Sherloc (09022015). Collection method: clinical testing. Allele origin: germline.
Comment: This sequence change replaces glycine, which is neutral and non-polar, with serine, which is neutral and polar, at codon 1354 of the TECPR2 protein (p.Gly1354Ser). The frequency data for this variant in the population databases is considered unreliable, as metrics indicate poor data quality at this position in the gnomAD database. This variant has not been reported in the literature in individuals affected with TECPR2-related conditions. ClinVar contains an entry for this variant (Variation ID: 991465). Algorithms developed to predict the effect of missense changes on protein structure and function are either unavailable or do not agree on the potential impact of this missense change (SIFT: "Deleterious"; PolyPhen-2: "Probably Damaging"; Align-GVGD: "Class C0"). In summary, the available evidence is currently insufficient to determine the role of this variant in disease. Therefore, it has been classified as a Variant of Uncertain Significance.

Natera, Inc.
Classification: Uncertain significance for Autosomal recessive spastic paraplegia type 49. Last evaluated: 2020-04-17. Review status: no assertion criteria provided. Collection method: clinical testing. Allele origin: germline. Not counted in ClinVar's aggregate classification.